The following is an entry in ClinVar:

ClinVar aggregate classification (germline): Pathogenic/Likely pathogenic. Review status: criteria provided, multiple submitters, no conflicts (2 of 4 stars). 7 submissions from 7 submitters: Pathogenic (4); Likely pathogenic (2). 1 of the submissions does not count toward it. Last evaluated 2025-09-10.

Conditions:
BETHLEM MYOPATHY 1B, AUTOSOMAL RECESSIVE.
Collagen 6-related myopathy. Identifiers: MedGen CN117976, MONDO:0100225.
Ullrich congenital muscular dystrophy 1A. Also called: Intermediate COL6-RD; Ullrich congenital muscular dystrophy 1. Identifiers: Orphanet 75840, MedGen C0410179, MONDO:0009681, OMIM 254090.
Bethlem myopathy 1A. Also called: MYOPATHY, BENIGN CONGENITAL, WITH CONTRACTURES; Bethlem Muscular Dystrophy; Bethlem myopathy 1. Identifiers: Orphanet 610, MedGen CN029274, MONDO:0024530, OMIM 158810.

Allele frequency attached by ClinVar (database versions not stated): gnomAD 0.00001; gnomAD exomes 0.00001; ExAC 0.00002; TOPMed 0.00002.
gnomAD v4.1: 22 of 1,592,866 alleles (0.0014%); highest among the groups gnomAD compares: East Asian, 0.0023%; no homozygotes.

Submissions (7):

Labcorp Genetics (formerly Invitae), Labcorp
Classification: Pathogenic for Bethlem myopathy 1A. Last evaluated: 2025-09-10. Review status: criteria provided, single submitter. Criteria: Invitae Variant Classification Sherloc (09022015). Collection method: clinical testing. Allele origin: germline.
Comment: This sequence change replaces aspartic acid, which is acidic and polar, with asparagine, which is neutral and polar, at codon 871 of the COL6A2 protein (p.Asp871Asn). This variant is present in population databases (rs387906610, gnomAD 0.006%). This missense change has been observed in individual(s) with autosomal recessive Bethlem myopathy and/or Ullrich congenital muscular dystrophy (PMID: 19949035, 25533456, 29419890). In at least one individual the data is consistent with being in trans (on the opposite chromosome) from a pathogenic variant. ClinVar contains an entry for this variant (Variation ID: 29644). Invitae Evidence Modeling of protein sequence and biophysical properties (such as structural, functional, and spatial information, amino acid conservation, physicochemical variation, residue mobility, and thermodynamic stability) indicates that this missense variant is expected to disrupt COL6A2 protein function with a positive predictive value of 80%. Experimental studies have shown that this missense change affects COL6A2 function (PMID: 19949035, 25533456). For these reasons, this variant has been classified as Pathogenic.

Institute of Human Genetics, University of Leipzig Medical Center
Classification: Likely pathogenic for Bethlem myopathy 1A. Last evaluated: 2023-05-10. Review status: criteria provided, single submitter. Criteria: ACMG Guidelines, 2015. Collection method: clinical testing. Allele origin: unknown. Inheritance: Autosomal recessive inheritance. Affected: yes.
Comment: Criteria applied: PM3_STR,PM2_SUP_MOD,PS3_SUP

Revvity Omics, Revvity
Classification: Pathogenic. Last evaluated: 2021-10-07. Review status: criteria provided, single submitter. Criteria: ACMG Guidelines, 2015. Collection method: clinical testing. Allele origin: germline.

Illumina Laboratory Services, Illumina
Classification: Likely pathogenic for Collagen VI-related myopathy. Last evaluated: 2018-10-25. Review status: criteria provided, single submitter. Criteria: ICSL Variant Classification Criteria 09 May 2019. Collection method: clinical testing. Allele origin: germline.
Comment: The COL6A2 c.2611G>A (p.Asp871Asn) missense variant has been reported three studies and is found in a total of three individuals with collagen type VI-related disorders, including one in a homozygous state and two in a compound heterozygous state (Gualandi et al., 2009; Zamurs et al., 2015; Fan et al. 2018). The homozygote and one compound heterozygote exhibited Bethlem myopathy and the second compound heterozygote exhibited Ullrich congenital muscular dystrophy. The p.Asp871Asn variant was absent from 100 control subjects and is reported at a frequency of 0.000013 in the Total population of the Genome Aggregation Database. Functional studies conducted using proband fibroblasts and mammalian cells indicated that the p.Asp871Asn variant severely reduced collagen VI synthesis, assembly, and secretion (Gualandi et al., 2009; Zamurs et al., 2015). Based on the evidence, the p.Asp871Asn variant is classified as likely pathogenic for collagen type VI-related disorders. This variant was observed by ICSL as part of a predisposition screen in an ostensibly healthy population.

Eurofins Ntd Llc (ga)
Classification: Pathogenic. Last evaluated: 2017-03-21. Review status: criteria provided, single submitter. Criteria: EGL Classification Definitions 2015. Collection method: clinical testing. Allele origin: germline. Observed: 3 variant alleles, 2 heterozygotes, 1 homozygote.

Neuberg Centre For Genomic Medicine, NCGM
Classification: Pathogenic for Ullrich congenital muscular dystrophy 1A. Review status: criteria provided, single submitter. Criteria: ACMG Guidelines, 2015. Collection method: clinical testing. Allele origin: germline. Inheritance: Autosomal dominant inheritance. Affected: yes.

OMIM
Classification: Pathogenic for BETHLEM MYOPATHY 1B, AUTOSOMAL RECESSIVE. Last evaluated: 2009-12-01. Review status: no assertion criteria provided. Collection method: literature only. Allele origin: germline. Not counted in ClinVar's aggregate classification.

Literature cited by the submitters: PubMed 19949035 (cited by 4 submitters); PubMed 25533456 (cited by 4 submitters); PubMed 29419890 (cited by Labcorp Genetics (formerly Invitae), Labcorp and Illumina Laboratory Services, Illumina).

NM_001849.4(COL6A2):c.2611G>A (p.Asp871Asn)

Gene: COL6A2 (collagen type VI alpha 2 chain; plus strand). Cytogenetic location: 21q22.3.
Variant type: single nucleotide variant.
Coding change: c.2611G>A on transcript NM_001849.4 (MANE Select); coding-DNA position 2611, G replaced by A.
Protein change: p.Asp871Asn; replaces aspartic acid 871 with asparagine.
Molecular consequence: missense variant.
Genome position (GRCh38, 1-based): chr21:46,132,103, G>A. VCF-style: chr21-46132103-G-A. GRCh37 (hg19) VCF-style: chr21-47552017-G-A.
Other names: short protein forms D871N.
Identifiers: ClinVar variation 29644 (VCV000029644.24), dbSNP rs387906610, ClinGen allele CA128533.
Genomic context (GRCh38, chr21:46,132,103, plus strand): 5'-AAGGCCCGGCGCTTCGTGGAGCAGGTGGCGCGGCGGCTGACGCTGGCCCGGAGGGACGAC[G>A]ACCCTCTCAACGCACGCGTGGCGCTGCTGCAGTTTGGTGGCCCCGGCGAGCAGCAGGTGG-3'
Protein context (NP_001840.3, residues 861-881): RRLTLARRDD[Asp871Asn]PLNARVALLQ